The following is an entry in ClinVar:

NM_000094.4(COL7A1):c.2498G>A (p.Gly833Asp)

Gene: COL7A1 (collagen type VII alpha 1 chain; minus strand). Cytogenetic location: 3p21.31.
Variant type: single nucleotide variant.
Coding change: c.2498G>A on transcript NM_000094.4 (MANE Select); coding-DNA position 2498, G replaced by A.
Protein change: p.Gly833Asp; replaces glycine 833 with aspartic acid.
Molecular consequence: missense variant.
Genome position (GRCh38, 1-based): chr3:48,588,731, C>T on the plus strand (G>A on the coding strand, the complement: COL7A1 is on the minus strand). VCF-style: chr3-48588731-C-T. GRCh37 (hg19) VCF-style: chr3-48626164-C-T.
Other names: short protein forms G833D.
Identifiers: ClinVar variation 4749030 (VCV004749030.1).
Genomic context (GRCh38, chr3:48,588,731, plus strand): 5'-CCCTCGCGGTCCCCGACAAGTGCAGTCACTCGCACTGAGTAGCTGACTCCACCTTCGAGA[C>T]CCCGGATCTCTGCAGAGTCTGTGTTTCCTGGGAGTATCTGGTGCCTCATGGGGCCGCCTG-3'
Protein context (NP_000085.1, residues 823-843): PGNTDSAEIR[Gly833Asp]LEGGVSYSVR

ClinVar aggregate classification (germline): Uncertain significance (1 of 4 stars; one submission).

gnomAD v4.1: 3 of 1,613,896 alleles (0.00019%); highest among the groups gnomAD compares: Non-Finnish European, 0.00025%; no homozygotes.

Submission:

Labcorp Genetics (formerly Invitae), Labcorp
Classification: Uncertain significance. Last evaluated: 2025-12-10. Review status: criteria provided, single submitter. Criteria: Invitae Variant Classification Sherloc (09022015). Collection method: clinical testing. Allele origin: germline.
Comment: This sequence change replaces glycine, which is neutral and non-polar, with aspartic acid, which is acidic and polar, at codon 833 of the COL7A1 protein (p.Gly833Asp). This variant is not present in population databases (gnomAD no frequency). This variant has not been reported in the literature in individuals affected with COL7A1-related conditions. Invitae Evidence Modeling of protein sequence and biophysical properties (such as structural, functional, and spatial information, amino acid conservation, physicochemical variation, residue mobility, and thermodynamic stability) indicates that this missense variant is not expected to disrupt COL7A1 protein function with a negative predictive value of 95%. In summary, the available evidence is currently insufficient to determine the role of this variant in disease. Therefore, it has been classified as a Variant of Uncertain Significance.